The following is an entry in ClinVar:

ClinVar aggregate classification (germline): Benign (1 of 4 stars; one submission).

Submission:

CeGaT Center for Human Genetics Tuebingen
Classification: Benign. Last evaluated: 2025-07-01. Review status: criteria provided, single submitter. Criteria: CeGaT Center For Human Genetics Tuebingen Variant Classification Criteria Version 2. Collection method: clinical testing. Allele origin: germline. Affected: yes. Observed: 1 variant allele.
Comment: SULT1A2: BS1, BS2

NM_001054.4(SULT1A2):c.446dup (p.Tyr149Ter)

Gene: SULT1A2 (sulfotransferase family 1A member 2; minus strand). Cytogenetic location: 16p11.2.
Variant type: Duplication.
Coding change: c.446dup on transcript NM_001054.4 (MANE Select); coding-DNA position 446, one base duplicated (A; older notation c.446dupA).
Protein change: p.Tyr149Ter; replaces tyrosine 149 with a stop codon.
Molecular consequence: nonsense. On other transcripts: intron variant (4), non-coding transcript variant (1).
Genome position (GRCh38, 1-based): chr16:28,593,495, T duplicated on the plus strand (A on the coding strand, the reverse complement: SULT1A2 is on the minus strand). VCF-style (leftmost placement, unchanged base first): chr16-28593494-G-GT. GRCh37 (hg19) VCF-style: chr16-28604815-G-GT.
Other names: c.458-1014dup (NM_001363863.3); c.373-1052dup (NM_001400261.1, NM_001400262.1, NM_001400263.1); c.446dup, p.Tyr149Ter (NM_001400258.1, NM_001400259.1, NM_001400260.1 and 2 more transcripts); short protein forms Y149*.
Identifiers: ClinVar variation 4084068 (VCV004084068.8).
Genomic context (GRCh38, chr16:28,593,494, plus strand): 5'-AAGCCCACCTTCTCCAGCCATGAACTTCTCCAGGAAGCTTTCCCAGGTCCCAGGGTGAGG[G>GT]TACACTTTGGCCATGTGGTAGAAGTGGTAGTAGGAAACCGCCACATCCTTTGCGTTGCGG-3'